The following is an entry in ClinVar:

NM_020964.3(EPG5):c.4952+1G>A

Gene: EPG5 (ectopic P-granules 5 autophagy tethering factor; minus strand). Cytogenetic location: 18q12.3.
Variant type: single nucleotide variant.
Coding change: c.4952+1G>A on transcript NM_020964.3 (MANE Select); the canonical splice donor site of the intron after coding-DNA position 4952, G replaced by A.
Molecular consequence: splice donor variant.
Genome position (GRCh38, 1-based): chr18:45,889,797, C>T on the plus strand (G>A on the coding strand, the complement: EPG5 is on the minus strand). VCF-style: chr18-45889797-C-T. GRCh37 (hg19) VCF-style: chr18-43469762-C-T.
Other names: c.4952+1G>A (NM_001410858.1, NM_001410859.1).
Identifiers: ClinVar variation 1499439 (VCV001499439.9), dbSNP rs2049301523, ClinGen allele CA402346733.

ClinVar aggregate classification (germline): Likely pathogenic (1 of 4 stars; one submission).

Conditions:
Vici syndrome (VICIS). Identifiers: Orphanet 1493, MedGen C1855772, MONDO:0009452, OMIM 242840.

Allele frequency attached by ClinVar (database versions not stated): TOPMed 0.00001.
gnomAD v4.1: 1 of 1,597,990 alleles (0.000063%); no homozygotes.

Submission:

Labcorp Genetics (formerly Invitae), Labcorp
Classification: Likely pathogenic for Vici syndrome. Last evaluated: 2023-07-15. Review status: criteria provided, single submitter. Criteria: Invitae Variant Classification Sherloc (09022015). Collection method: clinical testing. Allele origin: germline.
Comment: In summary, the currently available evidence indicates that the variant is pathogenic, but additional data are needed to prove that conclusively. Therefore, this variant has been classified as Likely Pathogenic. Algorithms developed to predict the effect of sequence changes on RNA splicing suggest that this variant may disrupt the consensus splice site. ClinVar contains an entry for this variant (Variation ID: 1499439). Disruption of this splice site has been observed in individual(s) with Vici syndrome (PMID: 23222957). This variant is not present in population databases (gnomAD no frequency). This sequence change affects a donor splice site in intron 28 of the EPG5 gene. It is expected to disrupt RNA splicing. Variants that disrupt the donor or acceptor splice site typically lead to a loss of protein function (PMID: 16199547), and loss-of-function variants in EPG5 are known to be pathogenic (PMID: 23222957, 23674064).

Literature cited by the submitters: PubMed 23222957; PubMed 16199547; PubMed 23674064.